The following is an entry in ClinVar:

ClinVar aggregate classification (germline): Uncertain significance (1 of 4 stars; one submission).

Conditions:
Vissers-Bodmer syndrome. Identifiers: MedGen C5436647, MONDO:0033618, OMIM 619033.

Allele frequency attached by ClinVar (database versions not stated): gnomAD 0.00001.
gnomAD v4.1: 5 of 1,613,694 alleles (0.00031%); highest among the groups gnomAD compares: Admixed American, 0.0067%; no homozygotes.

Submission:

Victorian Clinical Genetics Services, Murdoch Childrens Research Institute
Classification: Uncertain significance for Vissers-Bodmer syndrome. Last evaluated: 2022-02-02. Review status: criteria provided, single submitter. Criteria: ACMG Guidelines, 2015. Collection method: clinical testing. Allele origin: germline. Inheritance: Autosomal dominant inheritance.
Comment: Based on the classification scheme VCGS_Germline_v1.3.4, this variant is classified as VUS-3B. Following criteria are met: 0102 - Loss of function is a known mechanism of disease in this gene and is associated with Vissers-Bodmer syndrome (MIM#619033). (I) 0107 - This gene is associated with autosomal dominant disease. (I) 0115 - Variants in this gene are known to have variable expressivity (PMID: 32553196). (I) 0200 - Variant is predicted to result in a missense amino acid change from threonine to methionine. (I) 0251 - This variant is heterozygous. (I) 0302 - Variant is present in gnomAD (v2) <0.001 for a dominant condition (5 heterozygotes, 0 homozygote). (SP) 0502 - Missense variant with conflicting in silico predictions and high conservation. (I) 0600 - Variant is located in the annotated CCR4-NOT transcription complex subunit 1 CAF1-binding domain (DECIPHER). (I) 0705 - No comparable missense variants have previous evidence for pathogenicity. (I) 0807 - This variant has no previous evidence of pathogenicity. (I) 0905 - No published segregation evidence has been identified for this variant. (I) 1007 - No published functional evidence has been identified for this variant. (SP) Legend: (SP) - Supporting pathogenic, (I) - Information, (SB) - Supporting benign

Literature cited by the submitters: PubMed 32553196.

NM_016284.5(CNOT1):c.3362C>T (p.Thr1121Met)

Gene: CNOT1 (CCR4-NOT transcription complex subunit 1; minus strand). Cytogenetic location: 16q21.
Variant type: single nucleotide variant.
Coding change: c.3362C>T on transcript NM_016284.5 (MANE Select); coding-DNA position 3362, C replaced by T.
Protein change: p.Thr1121Met; replaces threonine 1121 with methionine.
Molecular consequence: missense variant. On other transcripts: non-coding transcript variant (1).
Genome position (GRCh38, 1-based): chr16:58,549,879, G>A on the plus strand (C>T on the coding strand, the complement: CNOT1 is on the minus strand). VCF-style: chr16-58549879-G-A. GRCh37 (hg19) VCF-style: chr16-58583783-G-A.
Other names: c.3347C>T, p.Thr1116Met (NM_001265612.2); c.3362C>T, p.Thr1121Met (NM_206999.3); short protein forms T1116M, T1121M.
Identifiers: ClinVar variation 1805248 (VCV001805248.1), dbSNP rs1277326354, ClinGen allele CA396172250.